The following is an entry in ClinVar:

NM_001134771.2(SLC12A5):c.32C>G (p.Pro11Arg)

Genes: SLC12A5 (solute carrier family 12 member 5; plus strand), SLC12A5-AS1 (SLC12A5 and MMP9 antisense RNA 1; minus strand), LOC130065980 (ATAC-STARR-seq lymphoblastoid silent region 12971; plus strand). Cytogenetic location: 20q13.12.
Variant type: single nucleotide variant.
Coding change: c.32C>G on transcript NM_001134771.2; coding-DNA position 32, C replaced by G.
Protein change: p.Pro11Arg; replaces proline 11 with arginine.
Molecular consequence: missense variant. On other transcripts: non-coding transcript variant (1).
Genome position (GRCh38, 1-based): chr20:46,021,797, C>G. VCF-style: chr20-46021797-C-G. GRCh37 (hg19) VCF-style: chr20-44650436-C-G.
Other names: short protein forms P11R.
Identifiers: ClinVar variation 1675859 (VCV001675859.32), dbSNP rs779070903, ClinGen allele CA9886917.

ClinVar aggregate classification (germline): Uncertain significance (1 of 4 stars; one submission).

Allele frequency attached by ClinVar (database versions not stated): gnomAD exomes 0.00002 and 0.00004; gnomAD 0.00003; ExAC 0.00009.
gnomAD v4.1: 34 of 1,533,474 alleles (0.0022%); highest among the groups gnomAD compares: Middle Eastern, 0.21%; no homozygotes.

Submission:

CeGaT Center for Human Genetics Tuebingen
Classification: Uncertain significance. Last evaluated: 2026-08-01. Review status: criteria provided, single submitter. Criteria: CeGaT Center For Human Genetics Tuebingen Variant Classification Criteria Version 2. Collection method: clinical testing. Allele origin: germline. Affected: yes. Observed: 2 variant alleles.
Comment: SLC12A5: PM2